The following is an entry in ClinVar:

NM_000548.5(TSC2):c.4710G>A (p.Arg1570=)

Gene: TSC2 (TSC complex subunit 2; plus strand). Cytogenetic location: 16p13.3.
Variant type: single nucleotide variant.
Coding change: c.4710G>A on transcript NM_000548.5 (MANE Select); coding-DNA position 4710, G replaced by A.
Protein change: p.Arg1570=; no amino-acid change (arginine 1570 retained).
Molecular consequence: synonymous variant.
Genome position (GRCh38, 1-based): chr16:2,086,240, G>A. VCF-style: chr16-2086240-G-A. GRCh37 (hg19) VCF-style: chr16-2136241-G-A.
Other names: c.4509G>A, p.Arg1503= (NM_001077183.3); c.4641G>A, p.Arg1547= (NM_001114382.3); c.4401G>A, p.Arg1467= (NM_001318827.2); c.4365G>A, p.Arg1455= (NM_001318829.2); c.3978G>A, p.Arg1326= (NM_001318831.2); c.4542G>A, p.Arg1514= (NM_001318832.2); c.4512G>A, p.Arg1504= (NM_001363528.2); c.4578G>A, p.Arg1526= (NM_001370404.1); and 1 more.
Identifiers: ClinVar variation 536109 (VCV000536109.11), dbSNP rs1389060581, ClinGen allele CA493043523.

ClinVar aggregate classification (germline): Benign/Likely benign. Review status: criteria provided, multiple submitters, no conflicts (2 of 4 stars). 3 submissions from 3 submitters: Benign (1); Likely benign (2). Last evaluated 2025-06-04.

Conditions:
Hereditary cancer-predisposing syndrome. Also called: Neoplastic Syndromes, Hereditary; Tumor predisposition; Hereditary Cancer Syndrome; Hereditary neoplastic syndrome. Identifiers: Orphanet 140162, MedGen C0027672, MeSH D009386, MONDO:0015356.
Tuberous sclerosis 2 (TSC2). Identifiers: Orphanet 805, MedGen C1860707, MONDO:0013199, OMIM 613254.

Allele frequency attached by ClinVar (database versions not stated): gnomAD exomes below 0.00001; TOPMed below 0.00001.
gnomAD v4.1: 2 of 1,612,732 alleles (0.00012%); highest among the groups gnomAD compares: Non-Finnish European, 0.00017%; no homozygotes.

Submissions (3):

Myriad Genetics, Inc.
Classification: Benign for Tuberous sclerosis 2. Last evaluated: 2025-06-04. Review status: criteria provided, single submitter. Criteria: Myriad Autosomal Dominant, Autosomal Recessive and X-Linked Classification Criteria (2023). Collection method: clinical testing. Allele origin: unknown.
Comment: This variant is considered benign. This variant is a silent/synonymous amino acid change and it is not expected to impact splicing.

Labcorp Genetics (formerly Invitae), Labcorp
Classification: Likely benign for Tuberous sclerosis 2. Last evaluated: 2025-04-17. Review status: criteria provided, single submitter. Criteria: Invitae Variant Classification Sherloc (09022015). Collection method: clinical testing. Allele origin: germline.

Ambry Genetics
Classification: Likely benign for Hereditary cancer-predisposing syndrome. Last evaluated: 2023-07-05. Review status: criteria provided, single submitter. Criteria: Ambry Variant Classification Scheme 2023. Collection method: clinical testing. Allele origin: germline.